The following is an entry in ClinVar:

NM_006922.4(SCN3A):c.487G>A (p.Gly163Arg)

Gene: SCN3A (sodium voltage-gated channel alpha subunit 3; minus strand). Cytogenetic location: 2q24.3.
Variant type: single nucleotide variant.
Coding change: c.487G>A on transcript NM_006922.4 (MANE Select); coding-DNA position 487, G replaced by A.
Protein change: p.Gly163Arg; replaces glycine 163 with arginine.
Molecular consequence: missense variant.
Genome position (GRCh38, 1-based): chr2:165,164,507, C>T on the plus strand (G>A on the coding strand, the complement: SCN3A is on the minus strand). VCF-style: chr2-165164507-C-T. GRCh37 (hg19) VCF-style: chr2-166021017-C-T.
Other names: c.487G>A, p.Gly163Arg (NM_001081676.2, NM_001081677.2); short protein forms G163R.
Identifiers: ClinVar variation 1718196 (VCV001718196.5), dbSNP rs1553537360, ClinGen allele CA349240135.

ClinVar aggregate classification (germline): Uncertain significance (1 of 4 stars; one submission).

Submission:

Labcorp Genetics (formerly Invitae), Labcorp
Classification: Uncertain significance. Last evaluated: 2022-09-05. Review status: criteria provided, single submitter. Criteria: Invitae Variant Classification Sherloc (09022015). Collection method: clinical testing. Allele origin: germline.
Comment: This sequence change replaces glycine, which is neutral and non-polar, with arginine, which is basic and polar, at codon 163 of the SCN3A protein (p.Gly163Arg). This variant is not present in population databases (gnomAD no frequency). This variant has not been reported in the literature in individuals affected with SCN3A-related conditions. Algorithms developed to predict the effect of missense changes on protein structure and function are either unavailable or do not agree on the potential impact of this missense change (SIFT: "Deleterious"; PolyPhen-2: "Probably Damaging"; Align-GVGD: "Class C0"). In summary, the available evidence is currently insufficient to determine the role of this variant in disease. Therefore, it has been classified as a Variant of Uncertain Significance.